The following is an entry in ClinVar:

NM_000066.4(C8B):c.1553-2A>G

Gene: C8B (complement C8 beta chain; minus strand). Cytogenetic location: 1p32.2.
Variant type: single nucleotide variant.
Coding change: c.1553-2A>G on transcript NM_000066.4 (MANE Select); the canonical splice acceptor site of the intron before coding-DNA position 1553, A replaced by G.
Molecular consequence: splice acceptor variant.
Genome position (GRCh38, 1-based): chr1:56,931,880, T>C on the plus strand (A>G on the coding strand, the complement: C8B is on the minus strand). VCF-style: chr1-56931880-T-C. GRCh37 (hg19) VCF-style: chr1-57397553-T-C.
Other names: c.1367-2A>G (NM_001278544.2); c.1397-2A>G (NM_001278543.2).
Identifiers: ClinVar variation 2703532 (VCV002703532.3), dbSNP rs1557725222, ClinGen allele CA340520047.

ClinVar aggregate classification (germline): Likely pathogenic (1 of 4 stars; one submission).

Allele frequency attached by ClinVar (database versions not stated): gnomAD exomes below 0.00001.
gnomAD v4.1: 1 of 1,610,912 alleles (0.000062%); highest among the groups gnomAD compares: Non-Finnish European, 0.000085%; no homozygotes.

Submission:

Labcorp Genetics (formerly Invitae), Labcorp
Classification: Likely pathogenic. Last evaluated: 2023-06-09. Review status: criteria provided, single submitter. Criteria: Invitae Variant Classification Sherloc (09022015). Collection method: clinical testing. Allele origin: germline.
Comment: In summary, the currently available evidence indicates that the variant is pathogenic, but additional data are needed to prove that conclusively. Therefore, this variant has been classified as Likely Pathogenic. Algorithms developed to predict the effect of sequence changes on RNA splicing suggest that this variant may disrupt the consensus splice site. This variant has not been reported in the literature in individuals affected with C8B-related conditions. This variant is not present in population databases (gnomAD no frequency). This sequence change affects an acceptor splice site in intron 10 of the C8B gene. It is expected to disrupt RNA splicing. Variants that disrupt the donor or acceptor splice site typically lead to a loss of protein function (PMID: 16199547), and loss-of-function variants in C8B are known to be pathogenic (PMID: 7594510).

Literature cited by the submitters: PubMed 16199547; PubMed 7594510.